The following is an entry in ClinVar:

NM_052963.3(TOP1MT):c.214G>A (p.Asp72Asn)

Gene: TOP1MT (DNA topoisomerase I mitochondrial; minus strand). Cytogenetic location: 8q24.3.
Variant type: single nucleotide variant.
Coding change: c.214G>A on transcript NM_052963.3 (MANE Select); coding-DNA position 214, G replaced by A.
Protein change: p.Asp72Asn; replaces aspartic acid 72 with asparagine.
Molecular consequence: missense variant. On other transcripts: 5 prime UTR variant (2).
Genome position (GRCh38, 1-based): chr8:143,331,248, C>T on the plus strand (G>A on the coding strand, the complement: TOP1MT is on the minus strand). VCF-style: chr8-143331248-C-T. GRCh37 (hg19) VCF-style: chr8-144413418-C-T.
Other names: c.-81G>A (NM_001258446.1, NM_001258447.1); short protein forms D72N.
Identifiers: ClinVar variation 4760716 (VCV004760716.1).
Genomic context (GRCh38, chr8:143,331,248, plus strand): 5'-CGCAGGCTGGGGAGGAGCCGCTCCCTGCATCCTTACCTTCATAGAAGAAACGCACTCCGT[C>T]GGGAAGGGGCTCGTATGGGGGTGCGAAGTACGGGCCCTTGTGCTCCAGCTGTCTCCACTT-3'
Protein context (NP_443195.1, residues 62-82): YFAPPYEPLP[Asp72Asn]GVRFFYEGRP

ClinVar aggregate classification (germline): Uncertain significance (1 of 4 stars; one submission).

gnomAD v4.1: 13 of 1,610,248 alleles (0.00081%); highest among the groups gnomAD compares: East Asian, 0.0022%; no homozygotes.

Submission:

Labcorp Genetics (formerly Invitae), Labcorp
Classification: Uncertain significance. Last evaluated: 2025-03-13. Review status: criteria provided, single submitter. Criteria: Invitae Variant Classification Sherloc (09022015). Collection method: clinical testing. Allele origin: germline.
Comment: This sequence change replaces aspartic acid, which is acidic and polar, with asparagine, which is neutral and polar, at codon 72 of the TOP1MT protein (p.Asp72Asn). This variant is present in population databases (rs759500846, gnomAD 0.01%). This variant has not been reported in the literature in individuals affected with TOP1MT-related conditions. Invitae Evidence Modeling of protein sequence and biophysical properties (such as structural, functional, and spatial information, amino acid conservation, physicochemical variation, residue mobility, and thermodynamic stability) indicates that this missense variant is not expected to disrupt TOP1MT protein function with a negative predictive value of 80%. In summary, the available evidence is currently insufficient to determine the role of this variant in disease. Therefore, it has been classified as a Variant of Uncertain Significance.